The following is an entry in ClinVar:

ClinVar aggregate classification (germline): Uncertain significance (1 of 4 stars; one submission).

Conditions:
Oculofaciocardiodental syndrome (MCOPS2). Identifiers: Orphanet 2712, MedGen C1846265, MONDO:0010261, OMIM 300166.

Allele frequency attached by ClinVar (database versions not stated): gnomAD exomes 0.00001; gnomAD 0.00005; TOPMed 0.00005.
gnomAD v4.1: 8 of 1,208,466 alleles (0.00066%); highest among the groups gnomAD compares: African/African-American, 0.014%; no homozygotes.

Submission:

Labcorp Genetics (formerly Invitae), Labcorp
Classification: Uncertain significance for Oculofaciocardiodental syndrome. Last evaluated: 2021-08-18. Review status: criteria provided, single submitter. Criteria: Invitae Variant Classification Sherloc (09022015). Collection method: clinical testing. Allele origin: germline.
Comment: In summary, the available evidence is currently insufficient to determine the role of this variant in disease. Therefore, it has been classified as a Variant of Uncertain Significance. Algorithms developed to predict the effect of missense changes on protein structure and function are either unavailable or do not agree on the potential impact of this missense change (SIFT: "Deleterious"; PolyPhen-2: "Possibly Damaging"; Align-GVGD: "Class C0"). This variant has not been reported in the literature in individuals affected with BCOR-related conditions. This variant is not present in population databases (ExAC no frequency). This sequence change replaces serine with arginine at codon 146 of the BCOR protein (p.Ser146Arg). The serine residue is highly conserved and there is a moderate physicochemical difference between serine and arginine.

NM_001123385.2(BCOR):c.438T>A (p.Ser146Arg)

Genes: BCOR (BCL6 corepressor; minus strand), LOC126863239 (MED14-independent group 3 enhancer GRCh37_chrX:39932994-39934193; plus strand). Cytogenetic location: Xp11.4.
Variant type: single nucleotide variant.
Coding change: c.438T>A on transcript NM_001123385.2 (MANE Select); coding-DNA position 438, T replaced by A.
Protein change: p.Ser146Arg; replaces serine 146 with arginine.
Molecular consequence: missense variant.
Genome position (GRCh38, 1-based): chrX:40,074,908, A>T on the plus strand (T>A on the coding strand, the complement: BCOR is on the minus strand). VCF-style: chrX-40074908-A-T. GRCh37 (hg19) VCF-style: chrX-39934161-A-T.
Other names: c.438T>A, p.Ser146Arg (NM_001123383.2, NM_001123384.2, NM_017745.6); short protein forms S146R.
Identifiers: ClinVar variation 1496814 (VCV001496814.6), dbSNP rs902578908, ClinGen allele CA327994285.